The following is an entry in ClinVar:

NM_002609.4(PDGFRB):c.2191T>G (p.Ser731Ala)

Gene: PDGFRB (platelet derived growth factor receptor beta; minus strand). Cytogenetic location: 5q32.
Variant type: single nucleotide variant.
Coding change: c.2191T>G on transcript NM_002609.4 (MANE Select); coding-DNA position 2191, T replaced by G.
Protein change: p.Ser731Ala; replaces serine 731 with alanine.
Molecular consequence: missense variant.
Genome position (GRCh38, 1-based): chr5:150,122,033, A>C on the plus strand (T>G on the coding strand, the complement: PDGFRB is on the minus strand). VCF-style: chr5-150122033-A-C. GRCh37 (hg19) VCF-style: chr5-149501596-A-C.
Other names: c.1999T>G, p.Ser667Ala (NM_001355016.2); c.1708T>G, p.Ser570Ala (NM_001355017.2); short protein forms S667A, S570A, S731A.
Identifiers: ClinVar variation 2935862 (VCV002935862.3), dbSNP rs2481191162, ClinGen allele CA361762761.

ClinVar aggregate classification (germline): Uncertain significance (1 of 4 stars; one submission).

Conditions:
Infantile myofibromatosis (IMF). Also called: Congenital generalized fibromatosis. Identifiers: Orphanet 2591, MedGen C0432284, MONDO:0016824.
Skeletal overgrowth-craniofacial dysmorphism-hyperelastic skin-white matter lesions syndrome. Also called: SKELETAL OVERGROWTH WITH FACIAL DYSMORPHISM, HYPERELASTIC SKIN, WHITE MATTER LESIONS, AND NEUROLOGIC DETERIORATION; Kosaki overgrowth syndrome. Identifiers: Orphanet 477831, MedGen C4225270, MONDO:0014704, OMIM 616592.
Acroosteolysis-keloid-like lesions-premature aging syndrome. Also called: Premature aging syndrome, Penttinen type; Prematurely aged appearance, delayed bone maturation, acro-osteolysis, and brachydactyly; Progeroid syndrome, Penttinen type. Identifiers: Orphanet 363665, MedGen C1866182, MONDO:0011150, OMIM 601812.
Basal ganglia calcification, idiopathic, 4 (PFBC4). Also called: Familial Idiopathic Basal Ganglia Calcification 4; PRIMARY FAMILIAL BRAIN CALCIFICATION 4, AUTOSOMAL DOMINANT. Identifiers: Orphanet 1980, MedGen C3554321, MONDO:0014004, OMIM 615007.

Submission:

Labcorp Genetics (formerly Invitae), Labcorp
Classification: Uncertain significance for Basal ganglia calcification, idiopathic, 4; Skeletal overgrowth-craniofacial dysmorphism-hyperelastic skin-white matter lesions syndrome; Infantile myofibromatosis; Acroosteolysis-keloid-like lesions-premature aging syndrome. Last evaluated: 2023-07-25. Review status: criteria provided, single submitter. Criteria: Invitae Variant Classification Sherloc (09022015). Collection method: clinical testing. Allele origin: germline.
Comment: This variant has not been reported in the literature in individuals affected with PDGFRB-related conditions. This variant is not present in population databases (gnomAD no frequency). This sequence change replaces serine, which is neutral and polar, with alanine, which is neutral and non-polar, at codon 731 of the PDGFRB protein (p.Ser731Ala). In summary, the available evidence is currently insufficient to determine the role of this variant in disease. Therefore, it has been classified as a Variant of Uncertain Significance. Advanced modeling of protein sequence and biophysical properties (such as structural, functional, and spatial information, amino acid conservation, physicochemical variation, residue mobility, and thermodynamic stability) performed at Invitae indicates that this missense variant is not expected to disrupt PDGFRB protein function.